The following is an entry in ClinVar:

ClinVar aggregate classification (germline): Uncertain significance (1 of 4 stars; one submission).

Conditions:
Aortic aneurysm, familial thoracic 7 (AAT7). Also called: AORTIC DISSECTION, FAMILIAL, WITH OR WITHOUT AORTIC ANEURYSM. Identifiers: MedGen C3151077, MONDO:0013418, OMIM 613780.

Allele frequency attached by ClinVar (database versions not stated): gnomAD exomes below 0.00001.

Submission:

Labcorp Genetics (formerly Invitae), Labcorp
Classification: Uncertain significance for Aortic aneurysm, familial thoracic 7. Last evaluated: 2024-02-17. Review status: criteria provided, single submitter. Criteria: Invitae Variant Classification Sherloc (09022015). Collection method: clinical testing. Allele origin: germline.
Comment: This sequence change creates a premature translational stop signal (p.Gln571*) in the MYLK gene. This variant occurs in the long isoform of MYLK (PMID: 21055718). The current clinical and genetic evidence is not sufficient to establish whether loss-of-function variants in the long isoform of MYLK cause disease. This variant is not present in population databases (gnomAD no frequency). This variant has not been reported in the literature in individuals affected with MYLK-related conditions. ClinVar contains an entry for this variant (Variation ID: 1055276). In summary, the available evidence is currently insufficient to determine the role of this variant in disease. Therefore, it has been classified as a Variant of Uncertain Significance.

Literature cited by the submitters: PubMed 21055718.

NM_053025.4(MYLK):c.1711C>T (p.Gln571Ter)

Gene: MYLK (myosin light chain kinase; minus strand). Cytogenetic location: 3q21.1.
Variant type: single nucleotide variant.
Coding change: c.1711C>T on transcript NM_053025.4 (MANE Select); coding-DNA position 1711, C replaced by T.
Protein change: p.Gln571Ter; replaces glutamine 571 with a stop codon.
Molecular consequence: nonsense.
Genome position (GRCh38, 1-based): chr3:123,722,221, G>A on the plus strand (C>T on the coding strand, the complement: MYLK is on the minus strand). VCF-style: chr3-123722221-G-A. GRCh37 (hg19) VCF-style: chr3-123441068-G-A.
Other names: c.1183C>T, p.Gln395Ter (NM_001321309.2); c.1504C>T, p.Gln502Ter (NM_053026.4, NM_053028.4); c.1711C>T, p.Gln571Ter (NM_053027.4); short protein forms Q395*, Q502*, Q571*.
Identifiers: ClinVar variation 1055276 (VCV001055276.9), dbSNP rs2108740070, ClinGen allele CA354235396.